The following is an entry in ClinVar:

NM_001876.4(CPT1A):c.1909T>G (p.Ser637Ala)

Gene: CPT1A (carnitine palmitoyltransferase 1A; minus strand). Cytogenetic location: 11q13.3.
Variant type: single nucleotide variant.
Coding change: c.1909T>G on transcript NM_001876.4 (MANE Select); coding-DNA position 1909, T replaced by G.
Protein change: p.Ser637Ala; replaces serine 637 with alanine.
Molecular consequence: missense variant.
Genome position (GRCh38, 1-based): chr11:68,761,654, A>C on the plus strand (T>G on the coding strand, the complement: CPT1A is on the minus strand). VCF-style: chr11-68761654-A-C. GRCh37 (hg19) VCF-style: chr11-68529122-A-C.
Other names: c.1909T>G, p.Ser637Ala (NM_001031847.3); short protein forms S637A.
Identifiers: ClinVar variation 2125170 (VCV002125170.4), dbSNP rs2495513110, ClinGen allele CA381626788.

ClinVar aggregate classification (germline): Uncertain significance (1 of 4 stars; one submission).

Conditions:
Carnitine palmitoyl transferase 1A deficiency. Also called: Carnitine palmitoyltransferase 1A deficiency; CPT I DEFICIENCY; CPT DEFICIENCY, HEPATIC, TYPE I; Carnitine palmitoyltransferase type I deficiency; CPT deficiency, hepatic, type IA. Identifiers: Orphanet 156, MedGen C1829703, MONDO:0009705, OMIM 255120.

Submission:

Labcorp Genetics (formerly Invitae), Labcorp
Classification: Uncertain significance for Carnitine palmitoyl transferase 1A deficiency. Last evaluated: 2022-08-09. Review status: criteria provided, single submitter. Criteria: Invitae Variant Classification Sherloc (09022015). Collection method: clinical testing. Allele origin: germline.
Comment: In summary, the available evidence is currently insufficient to determine the role of this variant in disease. Therefore, it has been classified as a Variant of Uncertain Significance. This sequence change replaces serine, which is neutral and polar, with alanine, which is neutral and non-polar, at codon 637 of the CPT1A protein (p.Ser637Ala). This variant is not present in population databases (gnomAD no frequency). This variant has not been reported in the literature in individuals affected with CPT1A-related conditions. Algorithms developed to predict the effect of missense changes on protein structure and function output the following: SIFT: "Tolerated"; PolyPhen-2: "Benign"; Align-GVGD: "Class C0". The alanine amino acid residue is found in multiple mammalian species, which suggests that this missense change does not adversely affect protein function.